The following is an entry in ClinVar:

ClinVar aggregate classification (germline): Pathogenic (1 of 4 stars; one submission).

Conditions:
Danon disease. Also called: ANTOPOL DISEASE; PSEUDOGLYCOGENOSIS II; GSD IIb; LYSOSOMAL GLYCOGEN STORAGE DISEASE WITHOUT ACID MALTASE DEFICIENCY; Glycogen Storage Disease Type IIb. Identifiers: Orphanet 34587, MedGen C0878677, MONDO:0010281, OMIM 300257.

Submission:

Labcorp Genetics (formerly Invitae), Labcorp
Classification: Pathogenic for Danon disease. Last evaluated: 2025-12-28. Review status: criteria provided, single submitter. Criteria: Invitae Variant Classification Sherloc (09022015). Collection method: clinical testing. Allele origin: germline.
Comment: This sequence change creates a premature translational stop signal (p.Cys41*) in the LAMP2 gene. It is expected to result in an absent or disrupted protein product. Loss-of-function variants in LAMP2 are known to be pathogenic (PMID: 21415759). This variant is not present in population databases (gnomAD no frequency). This premature translational stop signal has been observed in individual(s) with cardiomyopathy and/or Danon disease (PMID: 33207664, 37904158). ClinVar contains an entry for this variant (Variation ID: 2762825). For these reasons, this variant has been classified as Pathogenic.

Literature cited by the submitters: PubMed 21415759; PubMed 33207664; PubMed 37904158.

NM_002294.3(LAMP2):c.123C>A (p.Cys41Ter)

Gene: LAMP2 (lysosome associated membrane protein 2; minus strand). Cytogenetic location: Xq24.
Variant type: single nucleotide variant.
Coding change: c.123C>A on transcript NM_002294.3 (MANE Select); coding-DNA position 123, C replaced by A.
Protein change: p.Cys41Ter; replaces cysteine 41 with a stop codon.
Molecular consequence: nonsense.
Genome position (GRCh38, 1-based): chrX:120,456,711, G>T on the plus strand (C>A on the coding strand, the complement: LAMP2 is on the minus strand). VCF-style: chrX-120456711-G-T. GRCh37 (hg19) VCF-style: chrX-119590566-G-T.
Other names: c.123C>A, p.Cys41Ter (NM_013995.2, NM_001122606.1); short protein forms C41*.
Identifiers: ClinVar variation 2762825 (VCV002762825.3), dbSNP rs1921109201, ClinGen allele CA414403691.
Genomic context (GRCh38, chrX:120,456,711, plus strand): 5'-ATAAGTTTTATTTGTAGTTTCATAGCGTACTGTGAAATTCATCTGCCATTTTGCATAAAG[G>T]CAAGTGGCATTTTCTGAATCTGTCAAATTAAGTTCCAATGCATAAGACCGCACAGCTCCT-3'